The following is an entry in ClinVar:

ClinVar aggregate classification (germline): Uncertain significance (1 of 4 stars; one submission).

Conditions:
Neu-Laxova syndrome 2. Identifiers: Orphanet 2671, Orphanet 583602, MedGen C4015019, MONDO:0014466, OMIM 616038.

Allele frequency attached by ClinVar (database versions not stated): gnomAD exomes below 0.00001.
gnomAD v4.1: 1 of 1,613,944 alleles (0.000062%); highest among the groups gnomAD compares: Non-Finnish European, 0.000085%; no homozygotes.

Submission:

Labcorp Genetics (formerly Invitae), Labcorp
Classification: Uncertain significance for Neu-Laxova syndrome 2. Last evaluated: 2025-12-02. Review status: criteria provided, single submitter. Criteria: Invitae Variant Classification Sherloc (09022015). Collection method: clinical testing. Allele origin: germline.
Comment: This sequence change replaces lysine, which is basic and polar, with asparagine, which is neutral and polar, at codon 259 of the PSAT1 protein (p.Lys259Asn). This variant is not present in population databases (gnomAD no frequency). This variant has not been reported in the literature in individuals affected with PSAT1-related conditions. ClinVar contains an entry for this variant (Variation ID: 1415207). Invitae Evidence Modeling of protein sequence and biophysical properties (such as structural, functional, and spatial information, amino acid conservation, physicochemical variation, residue mobility, and thermodynamic stability) indicates that this missense variant is not expected to disrupt PSAT1 protein function with a negative predictive value of 80%. In summary, the available evidence is currently insufficient to determine the role of this variant in disease. Therefore, it has been classified as a Variant of Uncertain Significance.

NM_058179.4(PSAT1):c.777A>T (p.Lys259Asn)

Gene: PSAT1 (phosphoserine aminotransferase 1; plus strand). Cytogenetic location: 9q21.2.
Variant type: single nucleotide variant.
Coding change: c.777A>T on transcript NM_058179.4 (MANE Select); coding-DNA position 777, A replaced by T.
Protein change: p.Lys259Asn; replaces lysine 259 with asparagine.
Molecular consequence: missense variant.
Genome position (GRCh38, 1-based): chr9:78,317,712, A>T. VCF-style: chr9-78317712-A-T. GRCh37 (hg19) VCF-style: chr9-80932628-A-T.
Other names: c.777A>T, p.Lys259Asn (NM_021154.5); short protein forms K259N.
Identifiers: ClinVar variation 1415207 (VCV001415207.6), dbSNP rs2118681412, ClinGen allele CA373856997.